The following is an entry in ClinVar:

ClinVar aggregate classification (germline): Uncertain significance (1 of 4 stars; one submission).

Allele frequency attached by ClinVar (database versions not stated): TOPMed below 0.00001; gnomAD 0.00001; gnomAD exomes 0.00001; ExAC 0.00002.
gnomAD v4.1: 12 of 1,614,074 alleles (0.00074%); highest among the groups gnomAD compares: East Asian, 0.0022%; no homozygotes.

Submission:

Greenwood Genetic Center Diagnostic Laboratories, Greenwood Genetic Center
Classification: Uncertain significance. Last evaluated: 2024-01-02. Review status: criteria provided, single submitter. Criteria: ACMG Guidelines, 2015. Collection method: clinical testing. Allele origin: germline. Affected: yes.
Comment: PM2

NM_001384125.1(BLTP1):c.2721C>T (p.Ser907=)

Gene: BLTP1 (bridge-like lipid transfer protein family member 1; plus strand). Cytogenetic location: 4q27.
Variant type: single nucleotide variant.
Coding change: c.2721C>T on transcript NM_001384125.1 (MANE Select); coding-DNA position 2721, C replaced by T.
Protein change: p.Ser907=; no amino-acid change (serine 907 retained).
Molecular consequence: synonymous variant.
Genome position (GRCh38, 1-based): chr4:122,224,605, C>T. VCF-style: chr4-122224605-C-T. GRCh37 (hg19) VCF-style: chr4-123145760-C-T.
Other names: c.2721C>T, p.Ser907= (NM_015312.4).
Identifiers: ClinVar variation 3235712 (VCV003235712.1), dbSNP rs748084370, ClinGen allele CA3065967.